The following is an entry in ClinVar:

ClinVar aggregate classification (germline): Uncertain significance (1 of 4 stars; one submission).

Allele frequency attached by ClinVar (database versions not stated): ExAC 0.00002; gnomAD exomes 0.00003.
gnomAD v4.1: 15 of 1,614,228 alleles (0.00093%); highest among the groups gnomAD compares: South Asian, 0.016%; no homozygotes.

Submission:

Ambry Genetics
Classification: Uncertain significance. Last evaluated: 2022-12-26. Review status: criteria provided, single submitter. Criteria: Ambry Variant Classification Scheme 2023. Collection method: clinical testing. Allele origin: germline.
Comment: The p.S1543G variant (also known as c.4627A>G), located in coding exon 4 of the ALPK2 gene, results from an A to G substitution at nucleotide position 4627. The serine at codon 1543 is replaced by glycine, an amino acid with similar properties. This amino acid position is conserved. In addition, this alteration is predicted to be tolerated by in silico analysis. Since supporting evidence is limited at this time, the clinical significance of this alteration remains unclear.

NM_052947.4(ALPK2):c.4627A>G (p.Ser1543Gly)

Genes: ALPK2 (alpha kinase 2; minus strand), LOC126862764 (BRD4-independent group 4 enhancer GRCh37_chr18:56202574-56203773; plus strand). Cytogenetic location: 18q21.31.
Variant type: single nucleotide variant.
Coding change: c.4627A>G on transcript NM_052947.4 (MANE Select); coding-DNA position 4627, A replaced by G.
Protein change: p.Ser1543Gly; replaces serine 1543 with glycine.
Molecular consequence: missense variant.
Genome position (GRCh38, 1-based): chr18:58,535,560, T>C on the plus strand (A>G on the coding strand, the complement: ALPK2 is on the minus strand). VCF-style: chr18-58535560-T-C. GRCh37 (hg19) VCF-style: chr18-56202792-T-C.
Other names: short protein forms S1543G.
Identifiers: ClinVar variation 2451216 (VCV002451216.2), dbSNP rs778607743, ClinGen allele CA8976669.
Genomic context (GRCh38, chr18:58,535,560, plus strand): 5'-GGCCTGTGGAGTTGTGCGTGTCAACCCCAAGAGAAGCGTGAGTCATTATTGGAAGACAAC[T>C]AGAAAGAGGTGAAGTGGGGGAAATCAATTCTGCTTTGTCCTTTTTGCTTTGCTCAGCCTC-3'
Protein context (NP_443179.3, residues 1533-1553): ELISPTSPLS[Ser1543Gly]CLPIMTHASL